The following is an entry in ClinVar:

NC_000009.12:g.35658032_35658047dup

Gene: RMRP (RNA component of mitochondrial RNA processing endoribonuclease; minus strand). Cytogenetic location: 9p13.3.
Variant type: Duplication.
Genome position: GRCh38 VCF-style: chr9-35658029-C-CTTCACAGAGTAGTATT. GRCh37 (hg19) VCF-style: chr9-35658026-C-CTTCACAGAGTAGTATT.
Identifiers: ClinVar variation 1067370 (VCV001067370.9), dbSNP rs1823644118, ClinGen allele CA1846127704.

ClinVar aggregate classification (germline): Likely pathogenic (1 of 4 stars; one submission).

Conditions:
Anauxetic dysplasia. Identifiers: Orphanet 93347, MedGen C1846796, MONDO:0011773.

Submission:

Labcorp Genetics (formerly Invitae), Labcorp
Classification: Likely pathogenic for Anauxetic dysplasia. Last evaluated: 2020-08-27. Review status: criteria provided, single submitter. Criteria: Invitae Variant Classification Sherloc (09022015). Collection method: clinical testing. Allele origin: germline.
Comment: This variant occurs in the RMRP gene, which encodes an RNA molecule that does not result in a protein product. The frequency data for this variant in the population databases is considered unreliable, as metrics indicate insufficient coverage at this position in the ExAC database. While this particular variant has not been reported in the literature, it is located in the promoter region between the TATA box and the transcription initiation site, and other insertions and duplications immediately upstream of the coding sequence have been reported in individuals affected with cartilage-hair hypoplasia-anauxetic dysplasia (CHH-AD) spectrum disorders (PMID: 16244706, 11207361, 12107819). While functional studies for this variant have not been reported, experimental analyses using patient derived cells, as well as in vitro transfection studies, have shown that promoter insertions result in silencing of RMRP transcription and reduced expression of the gene product (PMID: 11207361, 16254002). In summary, the currently available evidence indicates that the variant is pathogenic, but additional data are needed to prove that conclusively. Therefore, this variant has been classified as Likely Pathogenic.

Literature cited by the submitters: PubMed 16244706; PubMed 11207361; PubMed 12107819; PubMed 16254002.